The following is an entry in ClinVar:

NM_001972.4(ELANE):c.232C>T (p.Arg78Cys)

Gene: ELANE (elastase, neutrophil expressed; plus strand). Cytogenetic location: 19p13.3.
Variant type: single nucleotide variant.
Coding change: c.232C>T on transcript NM_001972.4 (MANE Select); coding-DNA position 232, C replaced by T.
Protein change: p.Arg78Cys; replaces arginine 78 with cysteine.
Molecular consequence: missense variant.
Genome position (GRCh38, 1-based): chr19:853,269, C>T. VCF-style: chr19-853269-C-T. GRCh37 (hg19) VCF-style: chr19-853269-C-T.
Other names: short protein forms R78C.
Identifiers: ClinVar variation 5035879 (VCV005035879.1).
Genomic context (GRCh38, chr19:853,269, plus strand): 5'-TGAGCCCCGACCCCCGGGGCCGCCCCTGAGCCCCGCCTCTCCCTCCCCGGCAGAAACGTC[C>T]GCGCGGTGCGGGTGGTCCTGGGAGCCCATAACCTCTCGCGGCGGGAGCCCACCCGGCAGG-3'
Protein context (NP_001963.1, residues 68-88): AAHCVANVNV[Arg78Cys]AVRVVLGAHN

ClinVar aggregate classification (germline): Uncertain significance (1 of 4 stars; one submission).

Conditions:
Inborn genetic diseases. Identifiers: MedGen C0950123, MeSH D030342.

Submission:

Ambry Genetics
Classification: Uncertain significance for Inborn genetic diseases. Last evaluated: 2026-06-24. Review status: criteria provided, single submitter. Criteria: Ambry Variant Classification Scheme 2023. Collection method: clinical testing. Allele origin: germline.
Comment: The p.R78C variant (also known as c.232C>T), located in coding exon 3 of the ELANE gene, results from a C to T substitution at nucleotide position 232. The arginine at codon 78 is replaced by cysteine, an amino acid with highly dissimilar properties. This amino acid position is conserved. In addition, the in silico prediction for this alteration is inconclusive. Based on the available evidence, the clinical significance of this variant remains unclear.